The following is an entry in ClinVar:

ClinVar aggregate classification (germline): Uncertain significance (1 of 4 stars; one submission).

Conditions:
Encephalopathy, acute, infection-induced (herpes-specific), susceptibility to, 1. Also called: Herpes simplex encephalitis, susceptibility to, 1. Identifiers: Orphanet 1930, MedGen C2750180, MONDO:0024563, OMIM 610551.

Allele frequency attached by ClinVar (database versions not stated): gnomAD exomes below 0.00001.
gnomAD v4.1: 4 of 1,614,188 alleles (0.00025%); highest among the groups gnomAD compares: Non-Finnish European, 0.00034%; no homozygotes.

Submission:

Labcorp Genetics (formerly Invitae), Labcorp
Classification: Uncertain significance for Encephalopathy, acute, infection-induced (herpes-specific), susceptibility to, 1. Last evaluated: 2024-02-23. Review status: criteria provided, single submitter. Criteria: Invitae Variant Classification Sherloc (09022015). Collection method: clinical testing. Allele origin: germline.
Comment: This sequence change replaces aspartic acid, which is acidic and polar, with glutamic acid, which is acidic and polar, at codon 523 of the TLR3 protein (p.Asp523Glu). This variant is not present in population databases (gnomAD no frequency). This variant has not been reported in the literature in individuals affected with TLR3-related conditions. ClinVar contains an entry for this variant (Variation ID: 2103088). Algorithms developed to predict the effect of missense changes on protein structure and function output the following: SIFT: "Not Available"; PolyPhen-2: "Benign"; Align-GVGD: "Not Available". The glutamic acid amino acid residue is found in multiple mammalian species, which suggests that this missense change does not adversely affect protein function. In summary, the available evidence is currently insufficient to determine the role of this variant in disease. Therefore, it has been classified as a Variant of Uncertain Significance.

NM_003265.3(TLR3):c.1569T>A (p.Asp523Glu)

Gene: TLR3 (toll like receptor 3; plus strand). Cytogenetic location: 4q35.1.
Variant type: single nucleotide variant.
Coding change: c.1569T>A on transcript NM_003265.3 (MANE Select); coding-DNA position 1569, T replaced by A.
Protein change: p.Asp523Glu; replaces aspartic acid 523 with glutamic acid.
Molecular consequence: missense variant.
Genome position (GRCh38, 1-based): chr4:186,083,255, T>A. VCF-style: chr4-186083255-T-A. GRCh37 (hg19) VCF-style: chr4-187004409-T-A.
Other names: short protein forms D523E.
Identifiers: ClinVar variation 2103088 (VCV002103088.4), dbSNP rs2478227020, ClinGen allele CA358932720.
Genomic context (GRCh38, chr4:186,083,255, plus strand): 5'-GCCTCTTCGTAACTTGACCATTCTGGATCTAAGCAACAACAACATAGCCAACATAAATGA[T>A]GACATGTTGGAGGGTCTTGAGAAACTAGAAATTCTCGATTTGCAGCATAACAACTTAGCA-3'
Protein context (NP_003256.1, residues 513-533): LSNNNIANIN[Asp523Glu]DMLEGLEKLE